The following is an entry in ClinVar:

NM_017654.4(SAMD9):c.1370A>C (p.Glu457Ala)

Gene: SAMD9 (sterile alpha motif domain containing 9; minus strand). Cytogenetic location: 7q21.2.
Variant type: single nucleotide variant.
Coding change: c.1370A>C on transcript NM_017654.4 (MANE Select); coding-DNA position 1370, A replaced by C.
Protein change: p.Glu457Ala; replaces glutamic acid 457 with alanine.
Molecular consequence: missense variant.
Genome position (GRCh38, 1-based): chr7:93,104,728, T>G on the plus strand (A>C on the coding strand, the complement: SAMD9 is on the minus strand). VCF-style: chr7-93104728-T-G. GRCh37 (hg19) VCF-style: chr7-92734041-T-G.
Other names: c.1370A>C, p.Glu457Ala (NM_001193307.2); short protein forms E457A.
Identifiers: ClinVar variation 1337121 (VCV001337121.11), dbSNP rs147552284, ClinGen allele CA4342983.
Genomic context (GRCh38, chr7:93,104,728, plus strand): 5'-TTTGGTGTGGTTTTCTGTTCTACATATACACTTGGAAAGTGAAGGTTTGCTACTCGGCTT[T>G]CTTTGTAAGCTTTGACCACTCCATTGATGTTAGACTCAGGATCAAACTCCAATACAGCAA-3'
Protein context (NP_060124.2, residues 447-467): NINGVVKAYK[Glu457Ala]SRVANLHFPS

ClinVar aggregate classification (germline): Conflicting classifications of pathogenicity. Review status: criteria provided, conflicting classifications (1 of 4 stars). 3 submissions from 3 submitters: Uncertain significance (2); Likely benign (1). Last evaluated 2025-08-10.

Allele frequency attached by ClinVar (database versions not stated): gnomAD 0.00005 and 0.00006; gnomAD exomes 0.00005 and 0.00010; ExAC 0.00007; ESP Exome Variant Server 0.00008; TOPMed 0.00009.

Submissions (3):

Labcorp Genetics (formerly Invitae), Labcorp
Classification: Likely benign. Last evaluated: 2025-08-10. Review status: criteria provided, single submitter. Criteria: Invitae Variant Classification Sherloc (09022015). Collection method: clinical testing. Allele origin: germline.

GeneDx
Classification: Uncertain significance. Last evaluated: 2024-12-23. Review status: criteria provided, single submitter. Criteria: GeneDx Variant Classification Process June 2021. Collection method: clinical testing. Allele origin: germline. Affected: yes.
Comment: In silico analysis supports that this missense variant has a deleterious effect on protein structure/function; In vitro functional studies show no impact on cell growth (PMID: 27182967); This variant is associated with the following publications: (PMID: 28545555, 27182967)

Genetic Services Laboratory, University of Chicago
Classification: Uncertain significance. Last evaluated: 2019-04-19. Review status: criteria provided, single submitter. Criteria: ACMG Guidelines, 2015. Collection method: clinical testing. Allele origin: germline. Affected: no.